The following is an entry in ClinVar:

NM_000059.4(BRCA2):c.147A>C (p.Glu49Asp)

Gene: BRCA2 (BRCA2 DNA repair associated; plus strand). Cytogenetic location: 13q13.1.
Variant type: single nucleotide variant.
Coding change: c.147A>C on transcript NM_000059.4 (MANE Select); coding-DNA position 147, A replaced by C.
Protein change: p.Glu49Asp; replaces glutamic acid 49 with aspartic acid.
Molecular consequence: missense variant.
Genome position (GRCh38, 1-based): chr13:32,319,156, A>C. VCF-style: chr13-32319156-A-C. GRCh37 (hg19) VCF-style: chr13-32893293-A-C.
Other names: short protein forms E49D.
Identifiers: ClinVar variation 920387 (VCV000920387.14), dbSNP rs779648876, ClinGen allele CA6940326.

ClinVar aggregate classification (germline): Conflicting classifications of pathogenicity. Review status: criteria provided, conflicting classifications (1 of 4 stars). 3 submissions from 3 submitters: Uncertain significance (2); Likely benign (1). Last evaluated 2025-07-14.

Conditions:
Hereditary breast ovarian cancer syndrome. Also called: BRCA1- and BRCA2-Associated Hereditary Breast and Ovarian Cancer; Hereditary breast and ovarian cancer syndrome; Hereditary breast and ovarian cancer; Hereditary breast and ovarian cancer syndrome (HBOC); Breast and ovarian cancer; Hereditary breast and/or ovarian cancer syndrome. Identifiers: Orphanet 145, MedGen C0677776, MeSH D061325, MONDO:0003582. Disease mechanism: loss of function.
Hereditary cancer-predisposing syndrome. Also called: Neoplastic Syndromes, Hereditary; Tumor predisposition; Hereditary Cancer Syndrome; Hereditary neoplastic syndrome. Identifiers: Orphanet 140162, MedGen C0027672, MeSH D009386, MONDO:0015356.

Allele frequency attached by ClinVar (database versions not stated): gnomAD exomes below 0.00001; ExAC 0.00001.

Submissions (3):

Labcorp Genetics (formerly Invitae), Labcorp
Classification: Uncertain significance for Hereditary breast ovarian cancer syndrome. Last evaluated: 2025-07-14. Review status: criteria provided, single submitter. Criteria: Invitae Variant Classification Sherloc (09022015). Collection method: clinical testing. Allele origin: germline.
Comment: This sequence change replaces glutamic acid, which is acidic and polar, with aspartic acid, which is acidic and polar, at codon 49 of the BRCA2 protein (p.Glu49Asp). This variant is present in population databases (rs779648876, gnomAD 0.003%). This variant has not been reported in the literature in individuals affected with BRCA2-related conditions. ClinVar contains an entry for this variant (Variation ID: 920387). Invitae Evidence Modeling of protein sequence and biophysical properties (such as structural, functional, and spatial information, amino acid conservation, physicochemical variation, residue mobility, and thermodynamic stability) indicates that this missense variant is not expected to disrupt BRCA2 protein function with a negative predictive value of 95%. In summary, the available evidence is currently insufficient to determine the role of this variant in disease. Therefore, it has been classified as a Variant of Uncertain Significance.

Ambry Genetics
Classification: Likely benign for Hereditary cancer-predisposing syndrome. Last evaluated: 2023-02-07. Review status: criteria provided, single submitter. Criteria: Ambry Variant Classification Scheme 2023. Collection method: clinical testing. Allele origin: germline.

Color Diagnostics, LLC DBA Color Health
Classification: Uncertain significance for Hereditary cancer-predisposing syndrome. Last evaluated: 2020-01-13. Review status: criteria provided, single submitter. Criteria: ACMG Guidelines, 2015. Collection method: clinical testing. Allele origin: germline.
Comment: This missense variant replaces glutamic acid with aspartic acid at codon 49 of the BRCA2 protein. Computational prediction suggests that this variant may not impact protein structure and function (internally defined REVEL score threshold <= 0.5, PMID: 27666373). Splice site prediction tools suggest that this variant may not impact RNA splicing. To our knowledge, functional studies have not been performed for this variant. This variant has not been reported in individuals affected with hereditary cancer in the literature. This variant has been identified in 1/251344 chromosomes in the general population by the Genome Aggregation Database (gnomAD). The available evidence is insufficient to determine the role of this variant in disease conclusively. Therefore, this variant is classified as a Variant of Uncertain Significance.